The following is an entry in ClinVar:

ClinVar aggregate classification (germline): Pathogenic (1 of 4 stars; one submission).

Conditions:
Hypertrophic cardiomyopathy. Also called: HYPERTROPHIC MYOCARDIOPATHY. Identifiers: Orphanet 217569, MedGen C0007194, MeSH D002312, MONDO:0005045, HP:0001639.

Submission:

Laboratory for Molecular Medicine, Mass General Brigham Personalized Medicine
Classification: Pathogenic for Hypertrophic cardiomyopathy. Last evaluated: 2015-09-29. Review status: criteria provided, single submitter. Criteria: LMM Criteria. Collection method: clinical testing. Allele origin: germline. Inheritance: Autosomal dominant inheritance. Observed: 1 variant allele.
Comment: The p.Glu359X variant in MYBPC3 has not been reported in individuals with cardio myopathy and was absent from large population studies. This nonsense variant lea ds to a premature termination codon at position 359, which is predicted to lead to a truncated or absent protein. Heterozygous loss of function of the MYBPC3 ge ne is an established disease mechanism in individuals with HCM. In summary, this variant meets our criteria to be classified as pathogenic for HCM in an autosom al dominant manner based upon the predicted impact of the variant.

NM_000256.3(MYBPC3):c.1075G>T (p.Glu359Ter)

Gene: MYBPC3 (myosin binding protein C3; minus strand). Cytogenetic location: 11p11.2.
Variant type: single nucleotide variant.
Coding change: c.1075G>T on transcript NM_000256.3 (MANE Select); coding-DNA position 1075, G replaced by T.
Protein change: p.Glu359Ter; replaces glutamic acid 359 with a stop codon.
Molecular consequence: nonsense.
Genome position (GRCh38, 1-based): chr11:47,346,222, C>A on the plus strand (G>T on the coding strand, the complement: MYBPC3 is on the minus strand). VCF-style: chr11-47346222-C-A. GRCh37 (hg19) VCF-style: chr11-47367773-C-A.
Other names: short protein forms E359*.
Identifiers: ClinVar variation 228367 (VCV000228367.4), dbSNP rs876657702, ClinGen allele CA10576892.